The following is an entry in ClinVar:

ClinVar aggregate classification (germline): Conflicting classifications of pathogenicity. Review status: criteria provided, conflicting classifications (1 of 4 stars). 2 submissions from 2 submitters: Uncertain significance (1); Likely benign (1). Last evaluated 2026-01-01.

Allele frequency attached by ClinVar (database versions not stated): gnomAD 0.00001; gnomAD exomes 0.00001; TOPMed 0.00001; ExAC 0.00002.
gnomAD v4.1: 19 of 1,596,086 alleles (0.0012%); highest among the groups gnomAD compares: Admixed American, 0.02%; no homozygotes.

Submissions (2):

Labcorp Genetics (formerly Invitae), Labcorp
Classification: Likely benign. Last evaluated: 2026-01-01. Review status: criteria provided, single submitter. Criteria: Invitae Variant Classification Sherloc (09022015). Collection method: clinical testing. Allele origin: germline.

Women's Health and Genetics/Laboratory Corporation of America, LabCorp
Classification: Uncertain significance. Last evaluated: 2024-12-26. Review status: criteria provided, single submitter. Criteria: LabCorp Variant Classification Summary - May 2015. Collection method: clinical testing. Allele origin: germline.
Comment: Variant summary: DVL1 c.301G>T (p.Asp101Tyr) results in a non-conservative amino acid change in the encoded protein sequence. Four of five in-silico tools predict a damaging effect of the variant on protein function. The variant allele was found at a frequency of 1.2e-05 in 1589122 control chromosomes, predominantly at a frequency of 0.0002 within the Latino subpopulation in the gnomAD database. The occurrence in several carriers suggests that the variant is not causal for a dominant, high penetrance, early onset disease phenotype. To our knowledge, no occurrence of c.301G>T in individuals affected with Autosomal Dominant Robinow Syndrome 2 and no experimental evidence demonstrating its impact on protein function have been reported. ClinVar contains an entry for this variant (Variation ID: 2183603). Based on the evidence outlined above, the variant was classified as VUS-possibly benign.

NM_001330311.2(DVL1):c.301G>T (p.Asp101Tyr)

Gene: DVL1 (dishevelled segment polarity protein 1; minus strand). Cytogenetic location: 1p36.33.
Variant type: single nucleotide variant.
Coding change: c.301G>T on transcript NM_001330311.2 (MANE Select); coding-DNA position 301, G replaced by T.
Protein change: p.Asp101Tyr; replaces aspartic acid 101 with tyrosine.
Molecular consequence: missense variant.
Genome position (GRCh38, 1-based): chr1:1,342,424, C>A on the plus strand (G>T on the coding strand, the complement: DVL1 is on the minus strand). VCF-style: chr1-1342424-C-A. GRCh37 (hg19) VCF-style: chr1-1277804-C-A.
Other names: c.301G>T, p.Asp101Tyr (NM_004421.3); short protein forms D101Y.
Identifiers: ClinVar variation 2183603 (VCV002183603.5), dbSNP rs751949453, ClinGen allele CA520760.
Genomic context (GRCh38, chr1:1,342,424, plus strand): 5'-GGAAGGAGGGGGGCCGGGAGTCCCCGATGCCGCCTGTCCGCTCAAGAGGCGGGGGCAGGT[C>A]TGTGTGGCTGTCCGTGCCCTGGGACCCCGCATCCGAGTGAGCACCCTCAGCCAGGACCAG-3'
Protein context (NP_001317240.1, residues 91-111): AGSQGTDSHT[Asp101Tyr]LPPPLERTGG